The following is an entry in ClinVar:

NM_000038.6(APC):c.4737dup (p.Ile1580fs)

Gene: APC (APC regulator of Wnt signaling pathway; plus strand). Cytogenetic location: 5q22.2.
Variant type: Duplication.
Coding change: c.4737dup on transcript NM_000038.6 (MANE Select); coding-DNA position 4737, one base duplicated (T; older notation c.4737dupT).
Protein change: p.Ile1580fs; shifts the reading frame from isoleucine 1580.
Molecular consequence: frameshift variant.
Genome position (GRCh38, 1-based): chr5:112,840,331, T duplicated; the last of 2 consecutive T bases (chr5:112,840,330-112,840,331); duplicating either gives the same sequence. VCF-style (leftmost placement, unchanged base first): chr5-112840329-A-AT. GRCh37 (hg19) VCF-style: chr5-112176026-A-AT.
Other names: c.4359dup, p.Ile1454fs (NM_001354904.2); c.4737dupT (NM_000038.5); c.3888dup, p.Ile1297fs (NM_001354906.2); c.4257dup, p.Ile1420fs (NM_001354905.2); c.4737dup, p.Ile1580fs (NM_001127510.3, NM_001354895.2); c.4683dup, p.Ile1562fs (NM_001127511.3); c.4791dup, p.Ile1598fs (NM_001354896.2); c.4767dup, p.Ile1590fs (NM_001354897.2); and 6 more; short protein forms I1297fs, I1479fs, I1489fs, I1552fs, I1539fs, I1580fs, I1420fs, I1454fs.
Identifiers: ClinVar variation 428148 (VCV000428148.5), dbSNP rs1114167587, ClinGen allele CA645369381.

ClinVar aggregate classification (germline): Pathogenic (1 of 4 stars; one submission).

Conditions:
Hereditary cancer-predisposing syndrome. Also called: Hereditary Cancer Syndrome; Neoplastic Syndromes, Hereditary; Hereditary neoplastic syndrome; Tumor predisposition. Identifiers: Orphanet 140162, MedGen C0027672, MeSH D009386, MONDO:0015356.

Submission:

Ambry Genetics
Classification: Pathogenic for Hereditary cancer-predisposing syndrome. Last evaluated: 2016-01-24. Review status: criteria provided, single submitter. Criteria: Ambry Variant Classification Scheme 2023. Collection method: clinical testing. Allele origin: germline.
Comment: The c.4737dupT pathogenic mutation, located in coding exon 15 of the APC gene, results from a duplication of T at nucleotide position 4737, causing a translational frameshift with a predicted alternate stop codon. Since frameshifts are typically deleterious in nature, this alteration is interpreted as a disease-causing mutation (ACMG Recommendations for Standards for Interpretation and Reporting of Sequence Variations. Revision 2007. Genet Med. 2008;10:294).